The following is an entry in ClinVar:

ClinVar aggregate classification (germline): Conflicting classifications of pathogenicity. Review status: criteria provided, conflicting classifications (1 of 4 stars). 3 submissions from 3 submitters: Uncertain significance (2); Likely benign (1). Last evaluated 2024-02-26.

Conditions:
Neuropathy, hereditary sensory and autonomic, type 2B (HSAN2B). Also called: RETREG1-Related HSAN2 (HSAN2B). Identifiers: Orphanet 970, MedGen C2751092, MONDO:0013142, OMIM 613115.
Inborn genetic diseases. Identifiers: MedGen C0950123, MeSH D030342.

Allele frequency attached by ClinVar (database versions not stated): gnomAD exomes 0.00001; TOPMed 0.00001.
gnomAD v4.1: 10 of 1,612,046 alleles (0.00062%); highest among the groups gnomAD compares: South Asian, 0.0033%; no homozygotes.

Submissions (3):

Ambry Genetics
Classification: Likely benign for Inborn genetic diseases. Last evaluated: 2024-02-26. Review status: criteria provided, single submitter. Criteria: Ambry Variant Classification Scheme 2023. Collection method: clinical testing. Allele origin: germline.

Labcorp Genetics (formerly Invitae), Labcorp
Classification: Uncertain significance. Last evaluated: 2022-07-05. Review status: criteria provided, single submitter. Criteria: Invitae Variant Classification Sherloc (09022015). Collection method: clinical testing. Allele origin: germline.
Comment: This sequence change replaces proline, which is neutral and non-polar, with leucine, which is neutral and non-polar, at codon 338 of the RETREG1 protein (p.Pro338Leu). This variant is present in population databases (no rsID available, gnomAD 0.003%). This variant has not been reported in the literature in individuals affected with RETREG1-related conditions. ClinVar contains an entry for this variant (Variation ID: 352687). Algorithms developed to predict the effect of missense changes on protein structure and function are either unavailable or do not agree on the potential impact of this missense change (SIFT: "Tolerated"; PolyPhen-2: "Probably Damaging"; Align-GVGD: "Class C0"). In summary, the available evidence is currently insufficient to determine the role of this variant in disease. Therefore, it has been classified as a Variant of Uncertain Significance.

Illumina Laboratory Services, Illumina
Classification: Uncertain significance for Neuropathy, hereditary sensory and autonomic, type 2B. Last evaluated: 2018-01-13. Review status: criteria provided, single submitter. Criteria: ICSL Variant Classification Criteria 13 December 2019. Collection method: clinical testing. Allele origin: germline.

NM_001034850.3(RETREG1):c.1013C>T (p.Pro338Leu)

Gene: RETREG1 (reticulophagy regulator 1; minus strand). Cytogenetic location: 5p15.1.
Variant type: single nucleotide variant.
Coding change: c.1013C>T on transcript NM_001034850.3 (MANE Select); coding-DNA position 1013, C replaced by T.
Protein change: p.Pro338Leu; replaces proline 338 with leucine.
Molecular consequence: missense variant.
Genome position (GRCh38, 1-based): chr5:16,475,222, G>A on the plus strand (C>T on the coding strand, the complement: RETREG1 is on the minus strand). VCF-style: chr5-16475222-G-A. GRCh37 (hg19) VCF-style: chr5-16475331-G-A.
Other names: c.590C>T, p.Pro197Leu (NM_019000.5); short protein forms P338L, P197L.
Identifiers: ClinVar variation 352687 (VCV000352687.13), dbSNP rs886060395, ClinGen allele CA10624078.